The following is an entry in ClinVar:

NM_181741.4(ORC4):c.157A>G (p.Arg53Gly)

Gene: ORC4 (origin recognition complex subunit 4; minus strand). Cytogenetic location: 2q23.1.
Variant type: single nucleotide variant.
Coding change: c.157A>G on transcript NM_181741.4 (MANE Select); coding-DNA position 157, A replaced by G.
Protein change: p.Arg53Gly; replaces arginine 53 with glycine.
Molecular consequence: missense variant. On other transcripts: 5 prime UTR variant (2), intron variant (1).
Genome position (GRCh38, 1-based): chr2:147,972,807, T>C on the plus strand (A>G on the coding strand, the complement: ORC4 is on the minus strand). VCF-style: chr2-147972807-T-C. GRCh37 (hg19) VCF-style: chr2-148730376-T-C.
Other names: c.157A>G, p.Arg53Gly (NM_001190879.3, NM_001374270.1, NM_002552.5 and 1 more transcripts); c.-66A>G (NM_001190882.3); c.-161A>G (NM_001374272.1); c.-27-13941A>G (NM_001190881.3); short protein forms R53G.
Identifiers: ClinVar variation 1482799 (VCV001482799.8), dbSNP rs2105349510, ClinGen allele CA348715866.

ClinVar aggregate classification (germline): Uncertain significance (1 of 4 stars; one submission).

Submission:

Labcorp Genetics (formerly Invitae), Labcorp
Classification: Uncertain significance. Last evaluated: 2020-11-10. Review status: criteria provided, single submitter. Criteria: Invitae Variant Classification Sherloc (09022015). Collection method: clinical testing. Allele origin: germline.
Comment: Algorithms developed to predict the effect of missense changes on protein structure and function are either unavailable or do not agree on the potential impact of this missense change (SIFT: "Deleterious"; PolyPhen-2: "Probably Damaging"; Align-GVGD: "Class C0"). In summary, the available evidence is currently insufficient to determine the role of this variant in disease. Therefore, it has been classified as a Variant of Uncertain Significance. This sequence change replaces arginine with glycine at codon 53 of the ORC4 protein (p.Arg53Gly). The arginine residue is moderately conserved and there is a moderate physicochemical difference between arginine and glycine. This variant is not present in population databases (ExAC no frequency). This variant has not been reported in the literature in individuals with ORC4-related conditions.